The following is an entry in ClinVar:

NM_001089.3(ABCA3):c.3632del (p.Thr1211fs)

Gene: ABCA3 (ATP binding cassette subfamily A member 3; minus strand). Cytogenetic location: 16p13.3.
Variant type: Deletion.
Coding change: c.3632del on transcript NM_001089.3 (MANE Select); coding-DNA position 3632, one base deleted (C; older notation c.3632delC).
Protein change: p.Thr1211fs; shifts the reading frame from threonine 1211.
Molecular consequence: frameshift variant.
Genome position (GRCh38, 1-based): chr16:2,284,850, G deleted on the plus strand (C on the coding strand, the reverse complement: ABCA3 is on the minus strand). VCF-style (leftmost placement, unchanged base first): chr16-2284849-CG-C. GRCh37 (hg19) VCF-style: chr16-2334850-CG-C.
Other names: short protein forms T1211fs.
Identifiers: ClinVar variation 2694674 (VCV002694674.3), dbSNP rs2505621915, ClinGen allele CA2697549607.
Genomic context (GRCh38, chr16:2,284,849, plus strand): 5'-CATGATGGTGACCATCAGGAAGGTGGCGATGCCTGACAGGATGTTGAAGATGGTCAGCCT[CG>C]TGTAGGCAGTGGCCGCCCCCAAGAAGAAGAAGTTCATCAGGTACATGAGGGGGATGATGG-3'

ClinVar aggregate classification (germline): Pathogenic (1 of 4 stars; one submission).

Submission:

Labcorp Genetics (formerly Invitae), Labcorp
Classification: Pathogenic. Last evaluated: 2024-11-11. Review status: criteria provided, single submitter. Criteria: Invitae Variant Classification Sherloc (09022015). Collection method: clinical testing. Allele origin: germline.
Comment: This sequence change creates a premature translational stop signal (p.Thr1211Argfs*3) in the ABCA3 gene. It is expected to result in an absent or disrupted protein product. Loss-of-function variants in ABCA3 are known to be pathogenic (PMID: 27516224). This variant is not present in population databases (gnomAD no frequency). This variant has not been reported in the literature in individuals affected with ABCA3-related conditions. ClinVar contains an entry for this variant (Variation ID: 2694674). For these reasons, this variant has been classified as Pathogenic.

Literature cited by the submitters: PubMed 27516224.